The following is an entry in ClinVar:

ClinVar aggregate classification (germline): Pathogenic (1 of 4 stars; one submission).

Submission:

Labcorp Genetics (formerly Invitae), Labcorp
Classification: Pathogenic. Last evaluated: 2025-01-08. Review status: criteria provided, single submitter. Criteria: Invitae Variant Classification Sherloc (09022015). Collection method: clinical testing. Allele origin: germline.
Comment: This sequence change creates a premature translational stop signal (p.Cys65*) in the TRAPPC9 gene. It is expected to result in an absent or disrupted protein product. Loss-of-function variants in TRAPPC9 are known to be pathogenic (PMID: 2000476, 20004763, 20004764). This variant is not present in population databases (gnomAD no frequency). This variant has not been reported in the literature in individuals affected with TRAPPC9-related conditions. For these reasons, this variant has been classified as Pathogenic.

Literature cited by the submitters: PubMed 2000476; PubMed 20004763; PubMed 20004764.

NM_031466.8(TRAPPC9):c.-100C>A

Gene: TRAPPC9 (trafficking protein particle complex subunit 9; minus strand). Cytogenetic location: 8q24.3.
Variant type: single nucleotide variant.
Coding change: c.-100C>A on transcript NM_031466.8; 100 bases upstream of the start codon, C replaced by A.
Molecular consequence: 5 prime UTR variant.
Genome position (GRCh38, 1-based): chr8:140,458,370, G>T on the plus strand (C>A on the coding strand, the complement: TRAPPC9 is on the minus strand). VCF-style: chr8-140458370-G-T. GRCh37 (hg19) VCF-style: chr8-141468469-G-T.
Identifiers: ClinVar variation 3728691 (VCV003728691.2).